The following is an entry in ClinVar:

ClinVar aggregate classification (germline): Uncertain significance (1 of 4 stars; one submission).

Submission:

GeneDx
Classification: Uncertain significance. Last evaluated: 2022-11-30. Review status: criteria provided, single submitter. Criteria: GeneDx Variant Classification Process June 2021. Collection method: clinical testing. Allele origin: germline. Affected: yes.
Comment: Not observed at significant frequency in large population cohorts (gnomAD); Frameshift variant predicted to result in protein truncation as the last 85 amino acids are replaced with 152 different amino acids, although loss-of-function variants have not been reported downstream of this position in the protein; Has not been previously published as pathogenic or benign to our knowledge

NM_005585.5(SMAD6):c.1233dup (p.Val412fs)

Gene: SMAD6 (SMAD family member 6; plus strand). Cytogenetic location: 15q22.31.
Variant type: Duplication.
Coding change: c.1233dup on transcript NM_005585.5 (MANE Select); coding-DNA position 1233, one base duplicated (C; older notation c.1233dupC).
Protein change: p.Val412fs; shifts the reading frame from valine 412.
Molecular consequence: frameshift variant. On other transcripts: non-coding transcript variant (1).
Genome position (GRCh38, 1-based): chr15:66,781,277, C duplicated. VCF-style (leftmost placement, unchanged base first): chr15-66781276-T-TC. GRCh37 (hg19) VCF-style: chr15-67073614-T-TC.
Other names: short protein forms V412fs.
Identifiers: ClinVar variation 2504267 (VCV002504267.1), dbSNP rs2541898304, ClinGen allele CA2580613859.